The following is an entry in ClinVar:

ClinVar aggregate classification (germline): Likely benign. Review status: criteria provided, multiple submitters, no conflicts (2 of 4 stars). 3 submissions from 3 submitters: Likely benign (3). Last evaluated 2026-09-18.

Conditions:
AMH-related disorder. Also called: AMH-related condition.

Allele frequency attached by ClinVar (database versions not stated): ExAC 0.00010; 1000 Genomes Project 0.00040; 1000 Genomes Project 30x 0.00062; gnomAD 0.00064 and 0.00066; TOPMed 0.00073; gnomAD exomes 0.00103.
gnomAD v4.1: 291 of 1,502,514 alleles (0.019%); highest among the groups gnomAD compares: Admixed American, 0.51%; no homozygotes.

Submissions (3):

PreventionGenetics, part of Exact Sciences
Classification: Likely benign for AMH-related condition. Last evaluated: 2026-09-18. Review status: criteria provided, single submitter. Criteria: ACMG Guidelines, 2015. Collection method: clinical testing. Allele origin: germline.
Comment: This variant is classified as likely benign based on ACMG/AMP sequence variant interpretation guidelines (Richards et al. 2015 PMID: 25741868, with internal and published modifications).

Labcorp Genetics (formerly Invitae), Labcorp
Classification: Likely benign. Last evaluated: 2025-10-26. Review status: criteria provided, single submitter. Criteria: Invitae Variant Classification Sherloc (09022015). Collection method: clinical testing. Allele origin: germline.

Breakthrough Genomics
Classification: Likely benign. Review status: criteria provided, single submitter. Criteria: ACMG Guidelines, 2015. Collection method: not provided. Allele origin: germline. Inheritance: Autosomal recessive inheritance. Affected: yes.

NM_000479.5(AMH):c.956C>T (p.Ala319Val)

Gene: AMH (anti-Mullerian hormone; plus strand). Cytogenetic location: 19p13.3.
Variant type: single nucleotide variant.
Coding change: c.956C>T on transcript NM_000479.5 (MANE Select); coding-DNA position 956, C replaced by T.
Protein change: p.Ala319Val; replaces alanine 319 with valine.
Molecular consequence: missense variant.
Genome position (GRCh38, 1-based): chr19:2,251,230, C>T. VCF-style: chr19-2251230-C-T. GRCh37 (hg19) VCF-style: chr19-2251229-C-T.
Other names: c.956C>T (NM_000479.4); short protein forms A319V.
Identifiers: ClinVar variation 1544179 (VCV001544179.10), dbSNP rs534325383, ClinGen allele CA9063017.
Genomic context (GRCh38, chr19:2,251,230, plus strand): 5'-GGGCGCTGCGGGTCCCCCCGGCCCGGGCCTCCGCGCCGCGCCTGGCCCTGGATCCGGACG[C>T]GCTGGCCGGCTTCCCGCAGGGCCTAGTCAACCTGTCGGACCCCGCGGCGCTGGAGCGCCT-3'
Protein context (NP_000470.3, residues 309-329): SAPRLALDPD[Ala319Val]LAGFPQGLVN